The following is an entry in ClinVar:

NM_004541.4(NDUFA1):c.141G>C (p.Leu47=)

Gene: NDUFA1 (NADH:ubiquinone oxidoreductase subunit A1; plus strand). Cytogenetic location: Xq24.
Variant type: single nucleotide variant.
Coding change: c.141G>C on transcript NM_004541.4 (MANE Select); coding-DNA position 141, G replaced by C.
Protein change: p.Leu47=; no amino-acid change (leucine 47 retained).
Molecular consequence: synonymous variant.
Genome position (GRCh38, 1-based): chrX:119,873,342, G>C. VCF-style: chrX-119873342-G-C. GRCh37 (hg19) VCF-style: chrX-119007305-G-C.
Other names: p.L47L:CTG>CTC.
Identifiers: ClinVar variation 138435 (VCV000138435.56), dbSNP rs140064980, ClinGen allele CA292418.
Genomic context (GRCh38, chrX:119,873,342, plus strand): 5'-AATAATTGTCTCTTATTTGAAGGAAAAAAGGGTTGCTCATTTTGGGTATCACTGGAGTCT[G>C]ATGGAAAGAGATAGGCGCATCTCTGGAGTTGATCGTTACTATGTGTCAAAGGTAAGATGC-3'
Protein context (NP_004532.1, residues 37-57): RVAHFGYHWS[Leu47=]MERDRRISGV

ClinVar aggregate classification (germline): Benign/Likely benign. Review status: criteria provided, multiple submitters, no conflicts (2 of 4 stars). 7 submissions from 7 submitters: Benign (3); Likely benign (4). Last evaluated 2026-01-04.

Conditions:
Inborn genetic diseases. Identifiers: MedGen C0950123, MeSH D030342.

Allele frequency attached by ClinVar (database versions not stated): 1000 Genomes Project 0.00053; 1000 Genomes Project 30x 0.00062; ESP Exome Variant Server 0.00114; TOPMed 0.00193; gnomAD 0.00214 and 0.00234; gnomAD exomes 0.00222; ExAC 0.00224.
gnomAD v4.1: 3,846 of 1,208,740 alleles (0.32%); highest among the groups gnomAD compares: Non-Finnish European, 0.37%; 5 homozygotes.

Submissions (7):

Labcorp Genetics (formerly Invitae), Labcorp
Classification: Benign. Last evaluated: 2026-01-04. Review status: criteria provided, single submitter. Criteria: Invitae Variant Classification Sherloc (09022015). Collection method: clinical testing. Allele origin: germline.

Blueprint Genetics
Classification: Likely benign. Last evaluated: 2024-11-19. Review status: criteria provided, single submitter. Criteria: ACMG Guidelines, 2015. Collection method: clinical testing. Allele origin: germline.

CeGaT Center for Human Genetics Tuebingen
Classification: Likely benign. Last evaluated: 2020-10-01. Review status: criteria provided, single submitter. Criteria: CeGaT Center For Human Genetics Tuebingen Variant Classification Criteria Version 2. Collection method: clinical testing. Allele origin: germline. Affected: yes. Observed: 1 variant allele.

Ambry Genetics
Classification: Likely benign for Inborn genetic diseases. Last evaluated: 2016-10-27. Review status: criteria provided, single submitter. Criteria: Ambry Variant Classification Scheme 2023. Collection method: clinical testing. Allele origin: germline.

Eurofins Ntd Llc (ga)
Classification: Benign. Last evaluated: 2016-01-26. Review status: criteria provided, single submitter. Criteria: EGL Classification Definitions 2015. Collection method: clinical testing. Allele origin: germline. Observed: 1 variant allele, 1 heterozygote.

GeneDx
Classification: Benign. Last evaluated: 2014-03-19. Review status: criteria provided, single submitter. Criteria: GeneDx Variant Classification (06012015). Collection method: clinical testing. Allele origin: germline. Affected: yes.
Comment: This variant is considered likely benign or benign based on one or more of the following criteria: it is a conservative change, it occurs at a poorly conserved position in the protein, it is predicted to be benign by multiple in silico algorithms, and/or has population frequency not consistent with disease.

Breakthrough Genomics
Classification: Likely benign. Review status: criteria provided, single submitter. Criteria: ACMG Guidelines, 2015. Collection method: not provided. Allele origin: germline. Inheritance: X-linked inheritance. Affected: yes.